The following is an entry in ClinVar:

ClinVar aggregate classification (germline): Benign/Likely benign. Review status: criteria provided, multiple submitters, no conflicts (2 of 4 stars). 9 submissions from 9 submitters: Benign (3); Likely benign (4). 2 of the submissions do not count toward it. Last evaluated 2026-03-01.

Conditions:
Episodic ataxia type 6. Identifiers: Orphanet 209967, MedGen C2675211, MONDO:0012982, OMIM 612656.
SLC1A3-related disorder. Also called: SLC1A3-related condition.

Allele frequency attached by ClinVar (database versions not stated): gnomAD 0.00017 and 0.00016; gnomAD exomes 0.00018 and 0.00025; TOPMed 0.00018; ExAC 0.00017.
gnomAD v4.1: 296 of 1,613,488 alleles (0.018%); highest among the groups gnomAD compares: Non-Finnish European, 0.016%; no homozygotes.

Submissions (9):

CeGaT Center for Human Genetics Tuebingen
Classification: Likely benign. Last evaluated: 2026-03-01. Review status: criteria provided, single submitter. Criteria: CeGaT Center For Human Genetics Tuebingen Variant Classification Criteria Version 2. Collection method: clinical testing. Allele origin: germline. Affected: yes. Observed: 4 variant alleles.
Comment: SLC1A3: BP4, BS2

PreventionGenetics, part of Exact Sciences
Classification: Likely benign for SLC1A3-related condition. Last evaluated: 2025-11-07. Review status: criteria provided, single submitter. Criteria: ACMG Guidelines, 2015. Collection method: clinical testing. Allele origin: germline.
Comment: This variant is classified as likely benign based on ACMG/AMP sequence variant interpretation guidelines (Richards et al. 2015 PMID: 25741868, with internal and published modifications).

Labcorp Genetics (formerly Invitae), Labcorp
Classification: Benign. Last evaluated: 2025-10-29. Review status: criteria provided, single submitter. Criteria: Invitae Variant Classification Sherloc (09022015). Collection method: clinical testing. Allele origin: germline.

Fulgent Genetics
Classification: Likely benign for Episodic ataxia type 6. Last evaluated: 2022-01-17. Review status: criteria provided, single submitter. Criteria: ACMG Guidelines, 2015. Collection method: clinical testing. Allele origin: unknown.

Genome-Nilou Lab
Classification: Likely benign for Episodic ataxia type 6. Last evaluated: 2021-09-05. Review status: criteria provided, single submitter. Criteria: ACMG Guidelines, 2015. Collection method: clinical testing. Allele origin: germline. Affected: no.

Athena Diagnostics
Classification: Benign. Last evaluated: 2019-09-26. Review status: criteria provided, single submitter. Criteria: Athena Diagnostics Criteria. Collection method: clinical testing. Allele origin: unknown.

Illumina Laboratory Services, Illumina
Classification: Benign for Episodic ataxia type 6. Last evaluated: 2018-01-13. Review status: criteria provided, single submitter. Criteria: ICSL Variant Classification Criteria 13 December 2019. Collection method: clinical testing. Allele origin: germline.
Comment: This variant was observed in the ICSL laboratory as part of a predisposition screen in an ostensibly healthy population. It had not been previously curated by ICSL or reported in the Human Gene Mutation Database (HGMD: prior to June 1st, 2018), and was therefore a candidate for classification through an automated scoring system. Utilizing variant allele frequency, disease prevalence and penetrance estimates, and inheritance mode, an automated score was calculated to assess if this variant is too frequent to cause the disease. Based on the score and internal cut-off values, a variant classified as benign is not then subjected to further curation. The score for this variant resulted in a classification of benign for this disease.

Clinical Genetics DNA and cytogenetics Diagnostics Lab, Erasmus MC, Erasmus Medical Center
Classification: Likely benign. Review status: no assertion criteria provided. Collection method: clinical testing. Allele origin: germline. Affected: yes. Study: VKGL Data-share Consensus. Not counted in ClinVar's aggregate classification.

Genome Diagnostics Laboratory, University Medical Center Utrecht
Classification: Likely benign. Review status: no assertion criteria provided. Collection method: clinical testing. Allele origin: germline. Affected: yes. Study: VKGL Data-share Consensus. Not counted in ClinVar's aggregate classification.

NM_004172.5(SLC1A3):c.1425-8G>C

Genes: SLC1A3 (solute carrier family 1 member 3; plus strand), SLC1A3-AS1 (SLC1A3 antisense RNA 1; minus strand). Cytogenetic location: 5p13.2.
Variant type: single nucleotide variant.
Coding change: c.1425-8G>C on transcript NM_004172.5 (MANE Select); 8 bases into the intron before coding-DNA position 1425, G replaced by C.
Molecular consequence: intron variant.
Genome position (GRCh38, 1-based): chr5:36,686,057, G>C. VCF-style: chr5-36686057-G-C. GRCh37 (hg19) VCF-style: chr5-36686159-G-C.
Other names: c.1290-8G>C (NM_001166695.3); c.1089-8G>C (NM_001289940.2); c.1287-8G>C (NM_001289939.2).
Identifiers: ClinVar variation 809747 (VCV000809747.57), dbSNP rs202233020, ClinGen allele CA3235683.